The following is an entry in ClinVar:

NM_139058.3(ARX):c.44A>G (p.Glu15Gly)

Gene: ARX (aristaless related homeobox; minus strand). Cytogenetic location: Xp21.3.
Variant type: single nucleotide variant.
Coding change: c.44A>G on transcript NM_139058.3 (MANE Select); coding-DNA position 44, A replaced by G.
Protein change: p.Glu15Gly; replaces glutamic acid 15 with glycine.
Molecular consequence: missense variant.
Genome position (GRCh38, 1-based): chrX:25,015,694, T>C on the plus strand (A>G on the coding strand, the complement: ARX is on the minus strand). VCF-style: chrX-25015694-T-C. GRCh37 (hg19) VCF-style: chrX-25033811-T-C.
Other names: short protein forms E15G.
Identifiers: ClinVar variation 2097665 (VCV002097665.4), dbSNP rs2519109312, ClinGen allele CA412614023.
Genomic context (GRCh38, chrX:25,015,694, plus strand): 5'-CGGCCCAGGATGCTGTCGATGCAGTAGGAGGAGAGCAAAGTTGGAGATTTACTTTTGCAC[T>C]CGGGCCTCTCGGAGCAGCCCTCCTCCTGGTACTGATTGCTCATGGCTGGGGCTTTTTCCC-3'
Protein context (NP_620689.1, residues 5-25): YQEEGCSERP[Glu15Gly]CKSKSPTLLS

ClinVar aggregate classification (germline): Uncertain significance (1 of 4 stars; one submission).

Conditions:
Developmental and epileptic encephalopathy, 1 (DEE1). Also called: Tonic spasms with clustering, arrest of psychomotor development and hypsarrhythmia on EEG; X-Linked Infantile Spasm Syndrome; X-linked infantile spasms; West's syndrome; OHTAHARA SYNDROME, X-LINKED; INFANTILE SPASM SYNDROME, X-LINKED 1. Identifiers: MedGen C3463992, MONDO:0010632, OMIM 308350. Disease mechanism: loss of function.
Intellectual disability, X-linked, with or without seizures, ARX-related. Also called: MENTAL RETARDATION, X-LINKED 29; MENTAL RETARDATION, X-LINKED 32; MENTAL RETARDATION, X-LINKED 33; MENTAL RETARDATION, X-LINKED 38; MENTAL RETARDATION, X-LINKED 43; MENTAL RETARDATION, X-LINKED 76. Identifiers: Orphanet 777, MedGen C0796244, MONDO:0010317, OMIM 300419.

Submission:

Labcorp Genetics (formerly Invitae), Labcorp
Classification: Uncertain significance for Developmental and epileptic encephalopathy, 1; Intellectual disability, X-linked, with or without seizures, ARX-related. Last evaluated: 2022-03-26. Review status: criteria provided, single submitter. Criteria: Invitae Variant Classification Sherloc (09022015). Collection method: clinical testing. Allele origin: germline.
Comment: In summary, the available evidence is currently insufficient to determine the role of this variant in disease. Therefore, it has been classified as a Variant of Uncertain Significance. Advanced modeling of protein sequence and biophysical properties (such as structural, functional, and spatial information, amino acid conservation, physicochemical variation, residue mobility, and thermodynamic stability) performed at Invitae indicates that this missense variant is expected to disrupt ARX protein function. This variant has not been reported in the literature in individuals affected with ARX-related conditions. This variant is not present in population databases (gnomAD no frequency). This sequence change replaces glutamic acid, which is acidic and polar, with glycine, which is neutral and non-polar, at codon 15 of the ARX protein (p.Glu15Gly).